The following is an entry in ClinVar:

NM_000535.7(PMS2):c.1036C>T (p.Gln346Ter)

Gene: PMS2 (PMS1 homolog 2, mismatch repair system component; minus strand). Cytogenetic location: 7p22.1.
Variant type: single nucleotide variant.
Coding change: c.1036C>T on transcript NM_000535.7 (MANE Select); coding-DNA position 1036, C replaced by T.
Protein change: p.Gln346Ter; replaces glutamine 346 with a stop codon.
Molecular consequence: nonsense. On other transcripts: non-coding transcript variant (1), intron variant (2).
Genome position (GRCh38, 1-based): chr7:5,989,908, G>A on the plus strand (C>T on the coding strand, the complement: PMS2 is on the minus strand). VCF-style: chr7-5989908-G-A. GRCh37 (hg19) VCF-style: chr7-6029539-G-A.
Other names: c.631C>T, p.Gln211Ter (NM_001322003.2, NM_001322004.2, NM_001322005.2 and 1 more transcripts); c.718C>T, p.Gln240Ter (NM_001322007.2, NM_001322008.2); c.103C>T, p.Gln35Ter (NM_001322011.2, NM_001322012.2); c.463C>T, p.Gln155Ter (NM_001322013.2); c.1036C>T, p.Gln346Ter (NM_001322014.2); c.727C>T, p.Gln243Ter (NM_001322015.2); c.583+2065C>T (NM_001322010.2); c.988+2065C>T (NM_001322006.2); short protein forms Q346*, Q155*, Q240*, Q211*, Q243*, Q35*.
Identifiers: ClinVar variation 525740 (VCV000525740.16), dbSNP rs1554298786, ClinGen allele CA366742939.

ClinVar aggregate classification (germline): Pathogenic. Review status: criteria provided, multiple submitters, no conflicts (2 of 4 stars). 5 submissions from 5 submitters: Pathogenic (5). Last evaluated 2025-09-19.

Conditions:
Hereditary cancer-predisposing syndrome. Also called: Neoplastic Syndromes, Hereditary; Tumor predisposition; Hereditary Cancer Syndrome; Hereditary neoplastic syndrome. Identifiers: Orphanet 140162, MedGen C0027672, MeSH D009386, MONDO:0015356.
Hereditary nonpolyposis colorectal neoplasms. Identifiers: MedGen C0009405, MeSH D003123.
Lynch syndrome 4 (LYNCH4). Also called: Colorectal cancer, hereditary nonpolyposis, type 4; Hereditary non-polyposis colorectal cancer, type 4. Identifiers: Orphanet 144, MedGen C1838333, MONDO:0013699, OMIM 614337. Disease mechanism: loss of function.

gnomAD v4.1: 1 of 1,611,690 alleles (0.000062%); no homozygotes.

Submissions (5):

Labcorp Genetics (formerly Invitae), Labcorp
Classification: Pathogenic for Hereditary nonpolyposis colorectal neoplasms. Last evaluated: 2025-09-19. Review status: criteria provided, single submitter. Criteria: Invitae Variant Classification Sherloc (09022015). Collection method: clinical testing. Allele origin: germline.
Comment: This sequence change creates a premature translational stop signal (p.Gln346*) in the PMS2 gene. It is expected to result in an absent or disrupted protein product. Loss-of-function variants in PMS2 are known to be pathogenic (PMID: 21376568, 24362816). This variant is not present in population databases (gnomAD no frequency). This variant has not been reported in the literature in individuals affected with PMS2-related conditions. ClinVar contains an entry for this variant (Variation ID: 525740). For these reasons, this variant has been classified as Pathogenic.

Ambry Genetics
Classification: Pathogenic for Hereditary cancer-predisposing syndrome. Last evaluated: 2023-12-08. Review status: criteria provided, single submitter. Criteria: Ambry Variant Classification Scheme 2023. Collection method: clinical testing. Allele origin: germline.
Comment: The p.Q346* pathogenic mutation (also known as c.1036C>T), located in coding exon 10 of the PMS2 gene, results from a C to T substitution at nucleotide position 1036. This changes the amino acid from a glutamine to a stop codon within coding exon 10. This variant is considered to be rare based on population cohorts in the Genome Aggregation Database (gnomAD). This alteration is expected to result in loss of function by premature protein truncation or nonsense-mediated mRNA decay. As such, this alteration is interpreted as a disease-causing mutation.

Myriad Genetics, Inc.
Classification: Pathogenic for Lynch syndrome 4. Last evaluated: 2023-09-20. Review status: criteria provided, single submitter. Criteria: Myriad Autosomal Dominant, Autosomal Recessive and X-Linked Classification Criteria (2023). Collection method: clinical testing. Allele origin: unknown.
Comment: This variant is considered pathogenic. This variant creates a termination codon and is predicted to result in premature protein truncation.

Color Diagnostics, LLC DBA Color Health
Classification: Pathogenic for Hereditary cancer-predisposing syndrome. Last evaluated: 2021-02-26. Review status: criteria provided, single submitter. Criteria: ACMG Guidelines, 2015. Collection method: clinical testing. Allele origin: germline.
Comment: This variant changes 1 nucleotide in exon 10 of the PMS2 gene, creating a premature translation stop signal. This variant is expected to result in an absent or non-functional protein product. To our knowledge, this variant has not been reported in individuals affected with hereditary cancer in the literature. This variant has not been identified in the general population by the Genome Aggregation Database (gnomAD). Loss of PMS2 function is a known mechanism of disease. Based on the available evidence, this variant is classified as Pathogenic.

GeneDx
Classification: Pathogenic. Last evaluated: 2019-04-11. Review status: criteria provided, single submitter. Criteria: GeneDx Variant Classification Process June 2021. Collection method: clinical testing. Allele origin: germline. Affected: yes.
Comment: Nonsense variant predicted to result in protein truncation [or nonsense mediated decay] in a gene for which loss-of-function is a known mechanism of disease; Not observed [at a significant frequency] in large population cohorts (Lek et al., 2016); Has not been previously published as pathogenic or benign to our knowledge

Literature cited by the submitters: PubMed 21376568 (cited by Labcorp Genetics (formerly Invitae), Labcorp); PubMed 24362816 (cited by Labcorp Genetics (formerly Invitae), Labcorp).